The following is an entry in ClinVar:

NM_000263.4(NAGLU):c.1229T>A (p.Phe410Tyr)

Gene: NAGLU (N-acetyl-alpha-glucosaminidase; plus strand). Cytogenetic location: 17q21.2.
Variant type: single nucleotide variant.
Coding change: c.1229T>A on transcript NM_000263.4 (MANE Select); coding-DNA position 1229, T replaced by A.
Protein change: p.Phe410Tyr; replaces phenylalanine 410 with tyrosine.
Molecular consequence: missense variant.
Genome position (GRCh38, 1-based): chr17:42,543,235, T>A. VCF-style: chr17-42543235-T-A. GRCh37 (hg19) VCF-style: chr17-40695253-T-A.
Other names: short protein forms F410Y.
Identifiers: ClinVar variation 2953740 (VCV002953740.1), dbSNP rs574688121, ClinGen allele CA399601518.

ClinVar aggregate classification (germline): Uncertain significance (1 of 4 stars; one submission).

Conditions:
Charcot-Marie-Tooth disease axonal type 2V. Also called: CHARCOT-MARIE-TOOTH NEUROPATHY, TYPE 2V; CHARCOT-MARIE-TOOTH DISEASE, AXONAL, AUTOSOMAL DOMINANT, TYPE 2V. Identifiers: Orphanet 447964, MedGen C5569050, MONDO:0014665, OMIM 616491.
Mucopolysaccharidosis, MPS-III-B (MPS3B). Also called: N-ACETYL-ALPHA-D-GLUCOSAMINIDASE DEFICIENCY; NAGLU DEFICIENCY; SANFILIPPO SYNDROME B; MPS III B; Mucopolysaccharidosis type IIIB (Sanfilippo B); MUCOPOLYSACCHARIDOSIS, TYPE IIIB. Identifiers: Orphanet 79270, MedGen C0086648, MONDO:0009656, OMIM 252920.

gnomAD v4.1: 6 of 1,614,082 alleles (0.00037%); highest among the groups gnomAD compares: Non-Finnish European, 0.00051%; no homozygotes.

Submission:

Labcorp Genetics (formerly Invitae), Labcorp
Classification: Uncertain significance for Charcot-Marie-Tooth disease axonal type 2V; Mucopolysaccharidosis, MPS-III-B. Last evaluated: 2023-08-06. Review status: criteria provided, single submitter. Criteria: Invitae Variant Classification Sherloc (09022015). Collection method: clinical testing. Allele origin: germline.
Comment: This sequence change replaces phenylalanine, which is neutral and non-polar, with tyrosine, which is neutral and polar, at codon 410 of the NAGLU protein (p.Phe410Tyr). This variant is present in population databases (no rsID available, gnomAD 0.0009%). This variant has not been reported in the literature in individuals affected with NAGLU-related conditions. Advanced modeling of protein sequence and biophysical properties (such as structural, functional, and spatial information, amino acid conservation, physicochemical variation, residue mobility, and thermodynamic stability) has been performed at Invitae for this missense variant, however the output from this modeling did not meet the statistical confidence thresholds required to predict the impact of this variant on NAGLU protein function. In summary, the available evidence is currently insufficient to determine the role of this variant in disease. Therefore, it has been classified as a Variant of Uncertain Significance.